The following is an entry in ClinVar:

ClinVar aggregate classification (germline): Uncertain significance (1 of 4 stars; one submission).

Submission:

Dasa
Classification: Uncertain significance. Last evaluated: 2025-12-29. Review status: criteria provided, single submitter. Criteria: DASA Assertion Criteria. Collection method: clinical testing. Allele origin: germline.
Comment: NM_001083116.3(PRF1):c.158T>C (p.Leu53Pro) is a missense variant that results in the substitution of leucine with proline. This variant is rare in population databases. Computational prediction algorithms are consistent with a deleterious effect. The currently available literature and clinical evidence are not sufficient to establish a definitive association between this variant and the reported condition. Therefore, this variant is classified as a variant of uncertain significance.

NM_001083116.3(PRF1):c.158T>C (p.Leu53Pro)

Gene: PRF1 (perforin 1; minus strand). Cytogenetic location: 10q22.1.
Variant type: single nucleotide variant.
Coding change: c.158T>C on transcript NM_001083116.3 (MANE Select); coding-DNA position 158, T replaced by C.
Protein change: p.Leu53Pro; replaces leucine 53 with proline.
Molecular consequence: missense variant.
Genome position (GRCh38, 1-based): chr10:70,600,745, A>G on the plus strand (T>C on the coding strand, the complement: PRF1 is on the minus strand). VCF-style: chr10-70600745-A-G. GRCh37 (hg19) VCF-style: chr10-72360501-A-G.
Other names: c.158T>C, p.Leu53Pro (NM_005041.6); short protein forms L53P.
Identifiers: ClinVar variation 5020752 (VCV005020752.1).